The following is an entry in ClinVar:

NM_000553.6(WRN):c.1814A>G (p.Gln605Arg)

Gene: WRN (WRN RecQ like helicase; plus strand). Cytogenetic location: 8p12.
Variant type: single nucleotide variant.
Coding change: c.1814A>G on transcript NM_000553.6 (MANE Select); coding-DNA position 1814, A replaced by G.
Protein change: p.Gln605Arg; replaces glutamine 605 with arginine.
Molecular consequence: missense variant.
Genome position (GRCh38, 1-based): chr8:31,090,927, A>G. VCF-style: chr8-31090927-A-G. GRCh37 (hg19) VCF-style: chr8-30948443-A-G.
Other names: short protein forms Q605R.
Identifiers: ClinVar variation 1058811 (VCV001058811.2), dbSNP rs761654576, ClinGen allele CA4704490.
Genomic context (GRCh38, chr8:31,090,927, plus strand): 5'-CTGTTTATGTAGGCAAGATTGGCCTTGTTATCTCTCCCCTTATTTCTCTGATGGAAGACC[A>G]AGTGCTACAGCTTAAGTAAGTCATGTTATCATTGCCACAATATCACCCTCTTTTTTTCTT-3'
Protein context (NP_000544.2, residues 595-615): ISPLISLMED[Gln605Arg]VLQLKMSNIP

ClinVar aggregate classification (germline): Uncertain significance (1 of 4 stars; one submission).

Conditions:
Werner syndrome (WRN). Identifiers: Orphanet 902, MedGen C0043119, MONDO:0010196, OMIM 277700.

Allele frequency attached by ClinVar (database versions not stated): ExAC 0.00001; gnomAD exomes 0.00001.
gnomAD v4.1: 3 of 1,612,492 alleles (0.00019%); highest among the groups gnomAD compares: Admixed American, 0.005%; no homozygotes.

Submission:

Labcorp Genetics (formerly Invitae), Labcorp
Classification: Uncertain significance for Werner syndrome. Last evaluated: 2022-10-04. Review status: criteria provided, single submitter. Criteria: Invitae Variant Classification Sherloc (09022015). Collection method: clinical testing. Allele origin: germline.
Comment: This sequence change replaces glutamine, which is neutral and polar, with arginine, which is basic and polar, at codon 605 of the WRN protein (p.Gln605Arg). This variant is present in population databases (rs761654576, gnomAD no frequency). This variant has not been reported in the literature in individuals affected with WRN-related conditions. ClinVar contains an entry for this variant (Variation ID: 1058811). Algorithms developed to predict the effect of missense changes on protein structure and function are either unavailable or do not agree on the potential impact of this missense change (SIFT: "Not Available"; PolyPhen-2: "Probably Damaging"; Align-GVGD: "Not Available"). In summary, the available evidence is currently insufficient to determine the role of this variant in disease. Therefore, it has been classified as a Variant of Uncertain Significance.